The following is an entry in ClinVar:

ClinVar aggregate classification (germline): Pathogenic/Likely pathogenic. Review status: criteria provided, multiple submitters, no conflicts (2 of 4 stars). 2 submissions from 2 submitters: Pathogenic (1); Likely pathogenic (1). Last evaluated 2025-07-24.

Conditions:
Arginase deficiency. Also called: ARGININEMIA; ARG1 DEFICIENCY; Arginase 1 Deficiency. Identifiers: Orphanet 90, MedGen C0268548, MONDO:0008814, OMIM 207800.

Allele frequency attached by ClinVar (database versions not stated): gnomAD 0.00001.
gnomAD v4.1: 1 of 1,613,760 alleles (0.000062%); highest among the groups gnomAD compares: East Asian, 0.0022%; no homozygotes.

Submissions (2):

Labcorp Genetics (formerly Invitae), Labcorp
Classification: Pathogenic for Arginase deficiency. Last evaluated: 2025-07-24. Review status: criteria provided, single submitter. Criteria: Invitae Variant Classification Sherloc (09022015). Collection method: clinical testing. Allele origin: germline.
Comment: This sequence change replaces aspartic acid, which is acidic and polar, with tyrosine, which is neutral and polar, at codon 124 of the ARG1 protein (p.Asp124Tyr). This variant is not present in population databases (gnomAD no frequency). This missense change has been observed in individual(s) with arginase deficiency (external communication). ClinVar contains an entry for this variant (Variation ID: 1030551). Invitae Evidence Modeling of protein sequence and biophysical properties (such as structural, functional, and spatial information, amino acid conservation, physicochemical variation, residue mobility, and thermodynamic stability) indicates that this missense variant is expected to disrupt ARG1 protein function with a positive predictive value of 80%. This variant disrupts the p.Asp124 amino acid residue in ARG1. Other variant(s) that disrupt this residue have been determined to be pathogenic (internal data). This suggests that this residue is clinically significant, and that variants that disrupt this residue are likely to be disease-causing. For these reasons, this variant has been classified as Pathogenic.

Baylor Genetics
Classification: Likely pathogenic for Arginase deficiency. Last evaluated: 2019-09-14. Review status: criteria provided, single submitter. Criteria: ACMG Guidelines, 2015. Collection method: clinical testing. Allele origin: unknown. Affected: yes.
Comment: This variant was determined to be likely pathogenic according to ACMG Guidelines, 2015 [PMID:25741868].

NM_000045.4(ARG1):c.370G>T (p.Asp124Tyr)

Genes: ARG1 (arginase 1; plus strand), MED23 (mediator complex subunit 23; minus strand). Cytogenetic location: 6q23.2.
Variant type: single nucleotide variant.
Coding change: c.370G>T on transcript NM_000045.4 (MANE Select); coding-DNA position 370, G replaced by T.
Protein change: p.Asp124Tyr; replaces aspartic acid 124 with tyrosine.
Molecular consequence: missense variant. On other transcripts: non-coding transcript variant (1), intron variant (3).
Genome position (GRCh38, 1-based): chr6:131,581,283, G>T. VCF-style: chr6-131581283-G-T. GRCh37 (hg19) VCF-style: chr6-131902423-G-T.
Other names: c.394G>T, p.Asp132Tyr (NM_001244438.2); c.306-1777G>T (NM_001369020.1); c.4077+6426C>A (NM_001270521.2); c.4095+6426C>A (NM_015979.4); short protein forms D124Y, D132Y.
Identifiers: ClinVar variation 1030551 (VCV001030551.3), dbSNP rs1773910245, ClinGen allele CA365651023.